The following is an entry in ClinVar:

ClinVar aggregate classification (germline): Likely pathogenic. Review status: reviewed by expert panel (3 of 4 stars). 6 submissions from 6 submitters: Likely pathogenic (1). 5 of the submissions do not count toward it. Last evaluated 2025-05-20.

Conditions:
Cerebral creatine deficiency syndrome. Also called: Creatine deficiency syndromes. Identifiers: Orphanet 79172, MedGen C5244016, MONDO:0000456.
Deficiency of guanidinoacetate methyltransferase (CCDS2). Also called: GAMT DEFICIENCY; CEREBRAL CREATINE DEFICIENCY SYNDROME 2; Guanidinoacetate Methyltransferase (GAMT) Deficiency. Identifiers: Orphanet 382, MedGen C0574080, MONDO:0012999, OMIM 612736.
Inborn genetic diseases. Identifiers: MedGen C0950123, MeSH D030342.

Allele frequency attached by ClinVar (database versions not stated): gnomAD exomes 0.00001 and below 0.00001.
gnomAD v4.1: 7 of 1,599,366 alleles (0.00044%); highest among the groups gnomAD compares: South Asian, 0.0034%; no homozygotes.

Submissions (6):

ClinGen Cerebral Creatine Deficiency Syndromes Variant Curation Expert Panel, ClinGen
Classification: Likely pathogenic for Deficiency of guanidinoacetate methyltransferase. Last evaluated: 2025-05-20. Review status: reviewed by expert panel. Criteria: ClinGen CCDS ACMG Specifications GAMT V2.0.0. Collection method: curation. Allele origin: germline. Inheritance: Autosomal recessive inheritance.
Comment: The NM_000156.6:c.268G>A variant in GAMT is a missense variant that is predicted to result in the substitution of glutamate by lysine at amino acid 90 (p.Glu90Lys). One individual, who is homozygous for this variant, has developmental delay and seizures, in addition to elevated guanidinoacetate in urine and plasma, and low creatine in urine and plasma (PMID: 24440240) (PP4_Moderate, PM3_Supporting). The computational predictor REVEL gives a score of 0.943 which is >0.932, evidence that correlates with impact to GAMT function at the strong level (PMID: 36413997) (PP3_Strong). To our knowledge, the results of functional studies are not available. The highest population minor allele frequency in gnomAD v4.1.0. is 0.00003384 (3/88658 alleles) in the South Asian population, which is lower than the ClinGen CCDS VCEP’s threshold for PM2_Supporting (<0.0004), meeting this criterion (PM2_Supporting). The variant is noted in ClinVar (Variation ID: 916122). In summary, this variant meets the criteria to be classified as likely pathogenic for GAMT deficiency. GAMT-specific ACMG/AMP codes met, as specified by the ClinGen Cerebral Creatine Deficiency Syndromes VCEP (Specifications Version 2.0.0): PP3_Strong, PP4_Moderate, PM3_Supporting, PM2_Supporting. (Classification approved by the ClinGen Cerebral Creatine Deficiency Syndromes Variant Curation Expert Panel on May 20, 2025)

Labcorp Genetics (formerly Invitae), Labcorp
Classification: Uncertain significance for Cerebral creatine deficiency syndrome. Last evaluated: 2024-01-17. Review status: criteria provided, single submitter. Criteria: Invitae Variant Classification Sherloc (09022015). Collection method: clinical testing. Allele origin: germline. Not counted in ClinVar's aggregate classification.
Comment: This sequence change replaces glutamic acid, which is acidic and polar, with lysine, which is basic and polar, at codon 90 of the GAMT protein (p.Glu90Lys). The frequency data for this variant in the population databases is considered unreliable, as metrics indicate poor data quality at this position in the gnomAD database. This variant has not been reported in the literature in individuals affected with GAMT-related conditions. ClinVar contains an entry for this variant (Variation ID: 916122). Advanced modeling of protein sequence and biophysical properties (such as structural, functional, and spatial information, amino acid conservation, physicochemical variation, residue mobility, and thermodynamic stability) has been performed at Invitae for this missense variant, however the output from this modeling did not meet the statistical confidence thresholds required to predict the impact of this variant on GAMT protein function. In summary, the available evidence is currently insufficient to determine the role of this variant in disease. Therefore, it has been classified as a Variant of Uncertain Significance.

Women's Health and Genetics/Laboratory Corporation of America, LabCorp
Classification: Uncertain significance. Last evaluated: 2022-10-19. Review status: criteria provided, single submitter. Criteria: LabCorp Variant Classification Summary - May 2015. Collection method: clinical testing. Allele origin: germline. Not counted in ClinVar's aggregate classification.
Comment: Variant summary: GAMT c.268G>A (p.Glu90Lys) results in a conservative amino acid change located in the Arginine N-methyltransferase 2-like domain (IPR026480) of the encoded protein sequence. Four of five in-silico tools predict a damaging effect of the variant on protein function. The variant allele was found at a frequency of 4.5e-06 in 224458 control chromosomes (gnomAD). c.268G>A has been reported in the literature as a homozygous occurrence in an individual affected with Cerebral Creatine Deficiency Syndrome 2 (Haas_2014). These data indicate that the variant may be associated with disease. Three clinical diagnostic laboratories have submitted clinical-significance assessments for this variant to ClinVar after 2014 and classified the variant as VUS (n=2) and as pathogenic (n=1). Based on the evidence outlined above, the variant was classified as VUS-possibly pathogenic.

Broad Center for Mendelian Genomics, Broad Institute of MIT and Harvard
Classification: Uncertain significance for Cerebral creatine deficiency syndrome. Last evaluated: 2021-11-02. Review status: criteria provided, single submitter. Criteria: ACMG Guidelines, 2015. Collection method: curation. Allele origin: germline. Inheritance: Autosomal recessive inheritance. Not counted in ClinVar's aggregate classification.
Comment: The p.Glu90Lys variant in GAMT has been reported in 1 individual, in the homozygous state, with cerebral creatine deficiency syndrome (PMID: 24440240) and has been identified in 0.004% (1/27754) of South Asian chromosomes by the Genome Aggregation Database (gnomAD; dbSNP ID: rs750232484). Although this variant has been seen in the general population in a heterozygous state, its frequency is low enough to be consistent with a recessive carrier frequency. This variant has also been reported in ClinVar (Variation ID#: 916122) and has been interpreted as VUS by Invitae and pathogenic by Laboratory of Molecular Genetics (Pr. Bezieau's lab, CHU de Nantes). Computational prediction tools and conservation analyses suggest that this variant may impact the protein, though this information is not predictive enough to determine pathogenicity. The phenotype of individuals homozygous or compound heterozygous for this variant is highly specific for cerebral creatine deficiency syndrome based on strict biochemical investigations consistent with disease (PMID: 24440240). In summary, the clinical significance of the p.Glu90Lys variant is uncertain. ACMG/AMP Criteria applied: PM3_supporting, PM2_supporting, PP3, PP4_moderate (Richards 2015).

Ambry Genetics
Classification: Uncertain significance for Inborn genetic diseases. Last evaluated: 2021-07-02. Review status: criteria provided, single submitter. Criteria: Ambry Variant Classification Scheme 2023. Collection method: clinical testing. Allele origin: germline. Not counted in ClinVar's aggregate classification.
Comment: (Haas, 2014) Based on insufficient or conflicting evidence, the clinical significance of this alteration remains unclear.

Laboratory of Molecular Genetics (Pr. Bezieau's lab), CHU de Nantes
Classification: Pathogenic. Last evaluated: 2019-12-12. Review status: criteria provided, single submitter. Criteria: ACMG Guidelines, 2015. Collection method: clinical testing. Allele origin: germline. Affected: yes. Not counted in ClinVar's aggregate classification.

Literature cited by the submitters: PubMed 24440240 (cited by Women's Health and Genetics/Laboratory Corporation of America, LabCorp and Ambry Genetics).

NM_000156.6(GAMT):c.268G>A (p.Glu90Lys)

Gene: GAMT (guanidinoacetate N-methyltransferase; minus strand). Cytogenetic location: 19p13.3.
Variant type: single nucleotide variant.
Coding change: c.268G>A on transcript NM_000156.6 (MANE Select); coding-DNA position 268, G replaced by A.
Protein change: p.Glu90Lys; replaces glutamic acid 90 with lysine.
Molecular consequence: missense variant.
Genome position (GRCh38, 1-based): chr19:1,399,852, C>T on the plus strand (G>A on the coding strand, the complement: GAMT is on the minus strand). VCF-style: chr19-1399852-C-T. GRCh37 (hg19) VCF-style: chr19-1399851-C-T.
Other names: NM_000156.6(GAMT):c.268G>A; p.Glu90Lys; c.268G>A, p.Glu90Lys (NM_138924.3); short protein forms E90K.
Identifiers: ClinVar variation 916122 (VCV000916122.13), dbSNP rs1569006974, ClinGen allele CA402996483.